The following is an entry in ClinVar:

NM_181672.3(OGT):c.1886A>G (p.His629Arg)

Gene: OGT (O-linked N-acetylglucosamine (GlcNAc) transferase; plus strand). Cytogenetic location: Xq13.1.
Variant type: single nucleotide variant.
Coding change: c.1886A>G on transcript NM_181672.3 (MANE Select); coding-DNA position 1886, A replaced by G.
Protein change: p.His629Arg; replaces histidine 629 with arginine.
Molecular consequence: missense variant.
Genome position (GRCh38, 1-based): chrX:71,561,809, A>G. VCF-style: chrX-71561809-A-G. GRCh37 (hg19) VCF-style: chrX-70781659-A-G.
Other names: c.1856A>G, p.His619Arg (NM_181673.3); short protein forms H619R, H629R.
Identifiers: ClinVar variation 3770091 (VCV003770091.1).
Genomic context (GRCh38, chrX:71,561,809, plus strand): 5'-GTGAGTTCTTATTTTGTATTCTGTAGATTCCATGCAATGGAAAAGCAGCTGATCGCATCC[A>G]TCAGGATGGAATTCATATCCTTGTAAATATGAATGGCTATACTAAGGGCGCTCGAAATGA-3'
Protein context (NP_858058.1, residues 619-639): PCNGKAADRI[His629Arg]QDGIHILVNM

ClinVar aggregate classification (germline): Uncertain significance (1 of 4 stars; one submission).

Submission:

GeneDx
Classification: Uncertain significance. Last evaluated: 2024-09-11. Review status: criteria provided, single submitter. Criteria: GeneDx Variant Classification Process June 2021. Collection method: clinical testing. Allele origin: germline. Affected: yes.
Comment: Not observed at significant frequency in large population cohorts (gnomAD); In silico analysis supports that this missense variant has a deleterious effect on protein structure/function; Has not been previously published as pathogenic or benign to our knowledge